The following is an entry in ClinVar:

NM_000350.3(ABCA4):c.2382+1G>C

Gene: ABCA4 (ATP binding cassette subfamily A member 4; minus strand). Cytogenetic location: 1p22.1.
Variant type: single nucleotide variant.
Coding change: c.2382+1G>C on transcript NM_000350.3 (MANE Select); the canonical splice donor site of the intron after coding-DNA position 2382, G replaced by C.
Molecular consequence: splice donor variant.
Genome position (GRCh38, 1-based): chr1:94,056,600, C>G on the plus strand (G>C on the coding strand, the complement: ABCA4 is on the minus strand). VCF-style: chr1-94056600-C-G. GRCh37 (hg19) VCF-style: chr1-94522156-C-G.
Identifiers: ClinVar variation 969436 (VCV000969436.10), dbSNP rs1660983058, ClinGen allele CA341277649.

ClinVar aggregate classification (germline): Pathogenic (1 of 4 stars; one submission).

Submission:

Labcorp Genetics (formerly Invitae), Labcorp
Classification: Pathogenic. Last evaluated: 2022-10-28. Review status: criteria provided, single submitter. Criteria: Invitae Variant Classification Sherloc (09022015). Collection method: clinical testing. Allele origin: germline.
Comment: This variant is not present in population databases (gnomAD no frequency). This sequence change affects a donor splice site in intron 15 of the ABCA4 gene. It is expected to disrupt RNA splicing. Variants that disrupt the donor or acceptor splice site typically lead to a loss of protein function (PMID: 16199547), and loss-of-function variants in ABCA4 are known to be pathogenic (PMID: 10958761, 24938718, 25312043, 26780318). Disruption of this splice site has been observed in individual(s) with inherited retinal dystrophy and/or Stargardt disease (PMID: 21911583; Invitae). ClinVar contains an entry for this variant (Variation ID: 969436). Algorithms developed to predict the effect of sequence changes on RNA splicing suggest that this variant may disrupt the consensus splice site. For these reasons, this variant has been classified as Pathogenic.

Literature cited by the submitters: PubMed 16199547; PubMed 10958761; PubMed 24938718; PubMed 25312043; PubMed 26780318; PubMed 21911583.